The following is an entry in ClinVar:

ClinVar aggregate classification (germline): Conflicting classifications of pathogenicity. Review status: criteria provided, conflicting classifications (1 of 4 stars). 3 submissions from 3 submitters: Uncertain significance (2); Likely benign (1). Last evaluated 2026-04-24.

Conditions:
Myofibrillar myopathy 5. Also called: Filaminopathy (type); FILAMINOPATHY, AUTOSOMAL DOMINANT. Identifiers: Orphanet 171445, MedGen C1836050, MONDO:0012289, OMIM 609524.
Hypertrophic cardiomyopathy 26. Also called: Cardiomyopathy, familial hypertrophic, 26. Identifiers: Orphanet 75249, MedGen C4310749, MONDO:0014883, OMIM 617047.
Distal myopathy with posterior leg and anterior hand involvement. Also called: WILLIAMS DISTAL MYOPATHY. Identifiers: Orphanet 63273, MedGen C3279722, MONDO:0013550, OMIM 614065.
Cardiovascular phenotype. Identifiers: MedGen CN230736.

gnomAD v4.1: 22 of 1,614,010 alleles (0.0014%); highest among the groups gnomAD compares: Admixed American, 0.0033%; no homozygotes.

Submissions (3):

Ambry Genetics
Classification: Uncertain significance for Cardiovascular phenotype. Last evaluated: 2026-04-24. Review status: criteria provided, single submitter. Criteria: Ambry Variant Classification Scheme 2023. Collection method: clinical testing. Allele origin: germline.
Comment: The p.A688T variant (also known as c.2062G>A), located in coding exon 13 of the FLNC gene, results from a G to A substitution at nucleotide position 2062. The alanine at codon 688 is replaced by threonine, an amino acid with similar properties. This variant was reported in individual(s) with features consistent with cardiomyopathy (Ripoll-Vera T et al. Rev Esp Cardiol (Engl Ed), 2021 May;74:402-413). This amino acid position is well conserved in available vertebrate species. In addition, this alteration is predicted to be tolerated by in silico analysis. Based on the available evidence, the clinical significance of this variant remains unclear.

Labcorp Genetics (formerly Invitae), Labcorp
Classification: Likely benign for Distal myopathy with posterior leg and anterior hand involvement; Myofibrillar myopathy 5; Hypertrophic cardiomyopathy 26. Last evaluated: 2026-02-02. Review status: criteria provided, single submitter. Criteria: Invitae Variant Classification Sherloc (09022015). Collection method: clinical testing. Allele origin: germline.

Fulgent Genetics
Classification: Uncertain significance for Myofibrillar myopathy 5; Distal myopathy with posterior leg and anterior hand involvement; Hypertrophic cardiomyopathy 26. Last evaluated: 2021-12-23. Review status: criteria provided, single submitter. Criteria: ACMG Guidelines, 2015. Collection method: clinical testing. Allele origin: unknown.

Literature cited by the submitters: PubMed 32917565 (cited by Ambry Genetics).

NM_001458.5(FLNC):c.2062G>A (p.Ala688Thr)

Gene: FLNC (filamin C; plus strand). Cytogenetic location: 7q32.1.
Variant type: single nucleotide variant.
Coding change: c.2062G>A on transcript NM_001458.5 (MANE Select); coding-DNA position 2062, G replaced by A.
Protein change: p.Ala688Thr; replaces alanine 688 with threonine.
Molecular consequence: missense variant.
Genome position (GRCh38, 1-based): chr7:128,841,508, G>A. VCF-style: chr7-128841508-G-A. GRCh37 (hg19) VCF-style: chr7-128481562-G-A.
Other names: c.2062G>A, p.Ala688Thr (NM_001127487.2); c.2062G>A (NM_001458.4); short protein forms A688T.
Identifiers: ClinVar variation 1059845 (VCV001059845.11), dbSNP rs774194364, ClinGen allele CA4474578.
Genomic context (GRCh38, chr7:128,841,508, plus strand): 5'-GCACAGGTGAAGGCCTTTGGGCCTGGCCTGGAGCCTACCGGCTGCATCGTGGACAAGCCC[G>A]CTGAGTTCACCATTGATGCTCGTGCAGCTGGCAAGGGAGACCTGAAGCTCTATGCCCAGG-3'
Protein context (NP_001449.3, residues 678-698): EPTGCIVDKP[Ala688Thr]EFTIDARAAG